The following is an entry in ClinVar:

ClinVar aggregate classification (germline): Uncertain significance (1 of 4 stars; one submission).

Submission:

Labcorp Genetics (formerly Invitae), Labcorp
Classification: Uncertain significance. Last evaluated: 2021-10-31. Review status: criteria provided, single submitter. Criteria: Invitae Variant Classification Sherloc (09022015). Collection method: clinical testing. Allele origin: germline.
Comment: A gross deletion of the genomic region encompassing the full coding sequence of the NFATC1 gene has been identified. The current clinical and genetic evidence is not sufficient to establish whether loss-of-function variants in NFATC1 cause disease. The boundaries of this event are unknown as they extend beyond the assayed region for this gene and therefore may encompass additional genes. Isolated whole-gene deletions of NFATC1 have not been reported in the literature. However, larger copy number events that include this gene have been reported (PMID: 22912587, 25205790). In summary, the available evidence is currently insufficient to determine the role of this variant in disease. Therefore, it has been classified as a Variant of Uncertain Significance.

Literature cited by the submitters: PubMed 22912587; PubMed 25205790.

NC_000018.9:g.(?_77156225)_(77287530_?)del

Gene: NFATC1 (nuclear factor of activated T cells 1; plus strand). Cytogenetic location: 18q23.
Variant type: Deletion.
Identifiers: ClinVar variation 2425518 (VCV002425518.3).